The following is an entry in ClinVar:

NM_032447.5(FBN3):c.6772G>A (p.Ala2258Thr)

Gene: FBN3 (fibrillin 3; minus strand). Cytogenetic location: 19p13.2.
Variant type: single nucleotide variant.
Coding change: c.6772G>A on transcript NM_032447.5 (MANE Select); coding-DNA position 6772, G replaced by A.
Protein change: p.Ala2258Thr; replaces alanine 2258 with threonine.
Molecular consequence: missense variant.
Genome position (GRCh38, 1-based): chr19:8,086,308, C>T on the plus strand (G>A on the coding strand, the complement: FBN3 is on the minus strand). VCF-style: chr19-8086308-C-T. GRCh37 (hg19) VCF-style: chr19-8151192-C-T.
Other names: c.6772G>A (NM_032447.3); c.6772G>A, p.Ala2258Thr (NM_001321431.2); short protein forms A2258T.
Identifiers: ClinVar variation 3605767 (VCV003605767.3).

ClinVar aggregate classification (germline): Uncertain significance. Review status: criteria provided, multiple submitters, no conflicts (2 of 4 stars). 2 submissions from 2 submitters: Uncertain significance (2). Last evaluated 2025-02-20.

gnomAD v4.1: 34 of 1,606,352 alleles (0.0021%); highest among the groups gnomAD compares: East Asian, 0.0068%; no homozygotes.

Submissions (2):

Ambry Genetics
Classification: Uncertain significance. Last evaluated: 2025-02-20. Review status: criteria provided, single submitter. Criteria: Ambry Variant Classification Scheme 2023. Collection method: clinical testing. Allele origin: germline.

Labcorp Genetics (formerly Invitae), Labcorp
Classification: Uncertain significance. Last evaluated: 2024-06-23. Review status: criteria provided, single submitter. Criteria: Invitae Variant Classification Sherloc (09022015). Collection method: clinical testing. Allele origin: germline.
Comment: This sequence change replaces alanine, which is neutral and non-polar, with threonine, which is neutral and polar, at codon 2258 of the FBN3 protein (p.Ala2258Thr). This variant is present in population databases (rs369432951, gnomAD 0.01%). This variant has not been reported in the literature in individuals affected with FBN3-related conditions. Algorithms developed to predict the effect of missense changes on protein structure and function output the following: SIFT: "Not Available"; PolyPhen-2: "Benign"; Align-GVGD: "Not Available". The threonine amino acid residue is found in multiple mammalian species, which suggests that this missense change does not adversely affect protein function. In summary, the available evidence is currently insufficient to determine the role of this variant in disease. Therefore, it has been classified as a Variant of Uncertain Significance.